The following is an entry in ClinVar:

NM_002382.5(MAX):c.125G>A (p.Ser42Asn)

Genes: MAX (MYC associated transcriptional regulator X; minus strand), MAX-AS1 (MAX antisense RNA 1; plus strand). Cytogenetic location: 14q23.3.
Variant type: single nucleotide variant.
Coding change: c.125G>A on transcript NM_002382.5 (MANE Select); coding-DNA position 125, G replaced by A.
Protein change: p.Ser42Asn; replaces serine 42 with asparagine.
Molecular consequence: missense variant. On other transcripts: non-coding transcript variant (1), 5 prime UTR variant (1).
Genome position (GRCh38, 1-based): chr14:65,093,754, C>T on the plus strand (G>A on the coding strand, the complement: MAX is on the minus strand). VCF-style: chr14-65093754-C-T. GRCh37 (hg19) VCF-style: chr14-65560472-C-T.
Other names: c.98G>A, p.Ser33Asn (NM_001271068.2, NM_001271069.2, NM_001407095.1 and 9 more transcripts); c.-150G>A (NM_001320415.2, NM_001407105.1, NM_001407106.1 and 1 more transcripts); c.125G>A, p.Ser42Asn (NM_001407094.1, NM_001407096.1, NM_001407097.1 and 5 more transcripts); c.-243G>A (NM_001407111.1, NM_001407112.1); c.148G>A, p.Ala50Thr (NM_001407114.1); short protein forms A50T, S33N, S42N.
Identifiers: ClinVar variation 2413464 (VCV002413464.6), dbSNP rs2139884337, ClinGen allele CA390037696.

ClinVar aggregate classification (germline): Uncertain significance (1 of 4 stars; one submission).

Conditions:
Hereditary pheochromocytoma and paraganglioma. Also called: Hereditary paragangliomas and pheochromocytomas; Hereditary Paraganglioma-Pheochromocytoma Syndromes; Hereditary pheochromocytoma-paraganglioma. Identifiers: Orphanet 29072, MedGen C4274332, MONDO:0017366.

Submission:

Labcorp Genetics (formerly Invitae), Labcorp
Classification: Uncertain significance for Hereditary pheochromocytoma and paraganglioma. Last evaluated: 2025-08-06. Review status: criteria provided, single submitter. Criteria: Invitae Variant Classification Sherloc (09022015). Collection method: clinical testing. Allele origin: germline.
Comment: This sequence change replaces serine, which is neutral and polar, with asparagine, which is neutral and polar, at codon 42 of the MAX protein (p.Ser42Asn). This variant is not present in population databases (gnomAD no frequency). This variant has not been reported in the literature in individuals affected with MAX-related conditions. ClinVar contains an entry for this variant (Variation ID: 2413464). An algorithm developed to predict the effect of missense changes on protein structure and function (PolyPhen-2) suggests that this variant is likely to be disruptive. In summary, the available evidence is currently insufficient to determine the role of this variant in disease. Therefore, it has been classified as a Variant of Uncertain Significance.